The following is an entry in ClinVar:

NM_020297.4(ABCC9):c.4212-3C>T

Genes: ABCC9 (ATP binding cassette subfamily C member 9; minus strand), KCNJ8-AS1 (KCNJ8 antisense RNA 1; plus strand). Cytogenetic location: 12p12.1.
Variant type: single nucleotide variant.
Coding change: c.4212-3C>T on transcript NM_020297.4 (MANE Select); 3 bases into the intron before coding-DNA position 4212, C replaced by T.
Molecular consequence: intron variant.
Genome position (GRCh38, 1-based): chr12:21,809,958, G>A on the plus strand (C>T on the coding strand, the complement: ABCC9 is on the minus strand). VCF-style: chr12-21809958-G-A. GRCh37 (hg19) VCF-style: chr12-21962892-G-A.
Other names: c.3345-3C>T (NM_001377274.1); c.4212-3C>T (NM_005691.4, NM_001377273.1).
Identifiers: ClinVar variation 935541 (VCV000935541.9), dbSNP rs773353019, ClinGen allele CA6480898.

ClinVar aggregate classification (germline): Uncertain significance (1 of 4 stars; one submission).

Conditions:
Dilated cardiomyopathy 1O (CMD1O). Also called: CARDIOMYOPATHY, DILATED, WITH VENTRICULAR TACHYCARDIA. Identifiers: Orphanet 154, MedGen C1837839, MONDO:0012062, OMIM 608569.

Allele frequency attached by ClinVar (database versions not stated): gnomAD exomes below 0.00001 and 0.00002; ExAC 0.00002.
gnomAD v4.1: 4 of 1,586,098 alleles (0.00025%); highest among the groups gnomAD compares: Admixed American, 0.0017%; no homozygotes.

Submission:

Labcorp Genetics (formerly Invitae), Labcorp
Classification: Uncertain significance for Dilated cardiomyopathy 1O. Last evaluated: 2019-06-20. Review status: criteria provided, single submitter. Criteria: Invitae Variant Classification Sherloc (09022015). Collection method: clinical testing. Allele origin: germline.
Comment: In summary, the available evidence is currently insufficient to determine the role of this variant in disease. Therefore, it has been classified as a Variant of Uncertain Significance. Nucleotide substitutions within the consensus splice site are a relatively common cause of aberrant splicing (PMID: 17576681, 9536098). Algorithms developed to predict the effect of sequence changes on RNA splicing suggest that this variant is not likely to affect RNA splicing, but this prediction has not been confirmed by published transcriptional studies. This variant has not been reported in the literature in individuals with ABCC9-related conditions. This variant is present in population databases (rs773353019, ExAC 0.01%). This sequence change falls in intron 34 of the ABCC9 gene. It does not directly change the encoded amino acid sequence of the ABCC9 protein, but it affects a nucleotide within the consensus splice site of the intron.

Literature cited by the submitters: PubMed 17576681; PubMed 9536098.